The following is an entry in ClinVar:

ClinVar aggregate classification (germline): Pathogenic/Likely pathogenic. Review status: criteria provided, multiple submitters, no conflicts (2 of 4 stars). 4 submissions from 4 submitters: Pathogenic (3); Likely pathogenic (1). Last evaluated 2026-09-16.

Conditions:
Familial hypokalemia-hypomagnesemia (GTLMNS). Also called: HYPOMAGNESEMIA-HYPOKALEMIA, PRIMARY RENOTUBULAR, WITH HYPOCALCIURIA; POTASSIUM AND MAGNESIUM DEPLETION; gitelman syndrome. Identifiers: Orphanet 358, MedGen C0268450, MONDO:0009904, OMIM 263800.
Renal tubulopathies.
SLC12A3-related disorder. Also called: SLC12A3-related condition.

Allele frequency attached by ClinVar (database versions not stated): ExAC 0.00001; gnomAD 0.00002; gnomAD exomes 0.00002 and 0.00003.
gnomAD v4.1: 20 of 964,790 alleles (0.0021%); highest among the groups gnomAD compares: South Asian, 0.03%; no homozygotes.

Submissions (4):

Genetics Laboratory, Great Ormond Street Hospital NHS Foundation Trust, North Thames Genomic Laboratory Hub
Classification: Pathogenic for Renal tubulopathies. Last evaluated: 2026-09-16. Review status: criteria provided, single submitter. Criteria: ACGS Best Practice Guidelines for Variant Classification in Rare Disease 2024 v1.2. Collection method: clinical testing. Allele origin: germline. Affected: yes.
Comment: PM2_moderate, PVS1_very-strong, PM3_moderate

Natera, Inc.
Classification: Pathogenic for Gitelman syndrome. Last evaluated: 2025-07-03. Review status: criteria provided, single submitter. Criteria: Natera Variant Classification Schema (03/2026). Collection method: clinical testing. Allele origin: germline.
Comment: The c.1096-1G>A variant in SLC12A3 is a canonical splice acceptor site variant predicted to affect pre-mRNA splicing, which may result in an abnormal transcript and altered protein product. This variant is expected to result in nonsense mediated decay, truncation, or a dysfunctional protein product. This variant is rare in the general population with a frequency below the threshold expected for the associated phenotype(s). This variant has been observed in one or more individuals affected with the associated recessive disease, as either homozygous or compound heterozygous with a second variant (PMID: 15824853, 29398133). Given the available evidence, this variant is classified as Pathogenic.

Labcorp Genetics (formerly Invitae), Labcorp
Classification: Likely pathogenic. Last evaluated: 2024-10-17. Review status: criteria provided, single submitter. Criteria: Invitae Variant Classification Sherloc (09022015). Collection method: clinical testing. Allele origin: germline.
Comment: This sequence change affects an acceptor splice site in intron 8 of the SLC12A3 gene. It is expected to disrupt RNA splicing. Variants that disrupt the donor or acceptor splice site typically lead to a loss of protein function (PMID: 16199547), and loss-of-function variants in SLC12A3 are known to be pathogenic (PMID: 20848653, 22009145, 25841442). This variant is present in population databases (rs749463414, gnomAD 0.02%). Disruption of this splice site has been observed in individual(s) with Gitelman syndrome (PMID: 22009145; internal data). ClinVar contains an entry for this variant (Variation ID: 1068375). Algorithms developed to predict the effect of sequence changes on RNA splicing suggest that this variant may disrupt the consensus splice site. In summary, the currently available evidence indicates that the variant is pathogenic, but additional data are needed to prove that conclusively. Therefore, this variant has been classified as Likely Pathogenic.

Blueprint Genetics
Classification: Pathogenic for SLC12A3-related disorders. Last evaluated: 2023-04-04. Review status: criteria provided, single submitter. Criteria: ACMG Guidelines, 2015. Collection method: clinical testing. Allele origin: germline. Affected: yes. Observed: 1 variant allele.

Literature cited by the submitters: PubMed 15824853 (cited by Natera, Inc.); PubMed 29398133 (cited by Natera, Inc.); PubMed 16199547 (cited by Labcorp Genetics (formerly Invitae), Labcorp); PubMed 20848653 (cited by Labcorp Genetics (formerly Invitae), Labcorp); PubMed 22009145 (cited by Labcorp Genetics (formerly Invitae), Labcorp); PubMed 25841442 (cited by Labcorp Genetics (formerly Invitae), Labcorp).

NM_001126108.2(SLC12A3):c.1096-1G>A

Gene: SLC12A3 (solute carrier family 12 member 3; plus strand). Cytogenetic location: 16q13.
Variant type: single nucleotide variant.
Coding change: c.1096-1G>A on transcript NM_001126108.2 (MANE Select); the canonical splice acceptor site of the intron before coding-DNA position 1096, G replaced by A.
Molecular consequence: splice acceptor variant.
Genome position (GRCh38, 1-based): chr16:56,878,076, G>A. VCF-style: chr16-56878076-G-A. GRCh37 (hg19) VCF-style: chr16-56911988-G-A.
Other names: c.1096-1G>A (NM_000339.2, NM_000339.3); c.1093-1G>A (NM_001126107.2, NM_001410896.1).
Identifiers: ClinVar variation 1068375 (VCV001068375.13), dbSNP rs749463414, ClinGen allele CA8069350.